The following is an entry in ClinVar:

ClinVar aggregate classification (germline): Uncertain significance. Review status: criteria provided, multiple submitters, no conflicts (2 of 4 stars). 3 submissions from 3 submitters: Uncertain significance (3). Last evaluated 2025-12-11.

Conditions:
KARS1-related disorder. Also called: KARS1-related disorders.

gnomAD v4.1: 63 of 1,613,592 alleles (0.0039%); highest among the groups gnomAD compares: Non-Finnish European, 0.0053%; no homozygotes.

Submissions (3):

PreventionGenetics, part of Exact Sciences
Classification: Uncertain significance for KARS1-related condition. Last evaluated: 2025-12-11. Review status: criteria provided, single submitter. Criteria: ACMG Guidelines, 2015. Collection method: clinical testing. Allele origin: germline.
Comment: The KARS1 c.656C>T variant is predicted to result in the amino acid substitution p.Thr219Ile. To our knowledge, this variant has not been reported in the literature. This variant is present in 0.0018% of alleles in individuals of European (Non-Finnish) descent in gnomAD. At this time, the clinical significance of this variant is uncertain due to the absence of conclusive functional and genetic evidence.

Labcorp Genetics (formerly Invitae), Labcorp
Classification: Uncertain significance. Last evaluated: 2025-08-08. Review status: criteria provided, single submitter. Criteria: Invitae Variant Classification Sherloc (09022015). Collection method: clinical testing. Allele origin: germline.
Comment: This sequence change replaces threonine, which is neutral and polar, with isoleucine, which is neutral and non-polar, at codon 219 of the KARS protein (p.Thr219Ile). This variant is present in population databases (rs770576812, gnomAD 0.002%). This variant has not been reported in the literature in individuals affected with KARS-related conditions. ClinVar contains an entry for this variant (Variation ID: 4041098). Invitae Evidence Modeling of protein sequence and biophysical properties (such as structural, functional, and spatial information, amino acid conservation, physicochemical variation, residue mobility, and thermodynamic stability) indicates that this missense variant is expected to disrupt KARS protein function with a positive predictive value of 80%. In summary, the available evidence is currently insufficient to determine the role of this variant in disease. Therefore, it has been classified as a Variant of Uncertain Significance.

Ambry Genetics
Classification: Uncertain significance. Last evaluated: 2025-04-25. Review status: criteria provided, single submitter. Criteria: Ambry Variant Classification Scheme 2023. Collection method: clinical testing. Allele origin: germline.

NM_005548.3(KARS1):c.572C>T (p.Thr191Ile)

Gene: KARS1 (lysyl-tRNA synthetase 1; minus strand). Cytogenetic location: 16q23.1.
Variant type: single nucleotide variant.
Coding change: c.572C>T on transcript NM_005548.3 (MANE Select); coding-DNA position 572, C replaced by T.
Protein change: p.Thr191Ile; replaces threonine 191 with isoleucine.
Molecular consequence: missense variant.
Genome position (GRCh38, 1-based): chr16:75,636,009, G>A on the plus strand (C>T on the coding strand, the complement: KARS1 is on the minus strand). VCF-style: chr16-75636009-G-A. GRCh37 (hg19) VCF-style: chr16-75669907-G-A.
Other names: c.656C>T, p.Thr219Ile (NM_001130089.2); c.104C>T, p.Thr35Ile (NM_001378148.1); short protein forms T35I, T191I, T219I.
Identifiers: ClinVar variation 4041098 (VCV004041098.3).